The following is an entry in ClinVar:

ClinVar aggregate classification (germline): Likely pathogenic (1 of 4 stars; one submission).

Conditions:
Familial dysautonomia. Also called: HSAN III; FD. Identifiers: Orphanet 1764, MedGen C0013364, MONDO:0009131, OMIM 223900. Disease mechanism: loss of function.

Submission:

Myriad Genetics, Inc.
Classification: Likely pathogenic for Familial dysautonomia. Last evaluated: 2022-02-25. Review status: criteria provided, single submitter. Criteria: Myriad Women's Health Autosomal Recessive and X-Linked Classification Criteria (2021). Collection method: clinical testing. Allele origin: unknown.
Comment: NM_003640.3(ELP1):c.3688_3689delGA(E1230Kfs*5) is expected to be pathogenic in the context of familial dysautonomia. This variant is predicted to lead to an abnormal or absent protein product due to the creation of a premature termination codon in ELP1, a gene where loss-of-function variants are known to be pathogenic. Please note: this variant was assessed in the context of healthy population screening.

NM_003640.5(ELP1):c.3688_3689del (p.Glu1230fs)

Gene: ELP1 (elongator acetyltransferase complex subunit 1; minus strand). Cytogenetic location: 9q31.3.
Variant type: Deletion.
Coding change: c.3688_3689del on transcript NM_003640.5 (MANE Select); coding-DNA positions 3688 to 3689, 2 bases deleted (GA; older notation c.3688_3689delGA).
Protein change: p.Glu1230fs; shifts the reading frame from glutamic acid 1230.
Molecular consequence: frameshift variant.
Genome position (GRCh38, 1-based): chr9:108,878,634-108,878,635, TC deleted on the plus strand (GA on the coding strand, the reverse complement: ELP1 is on the minus strand). VCF-style (leftmost placement, unchanged base first): chr9-108878633-TTC-T. GRCh37 (hg19) VCF-style: chr9-111640913-TTC-T.
Other names: c.3346_3347del, p.Glu1116fs (NM_001318360.2); c.2641_2642del, p.Glu881fs (NM_001330749.2); short protein forms E1116fs, E1230fs, E881fs.
Identifiers: ClinVar variation 1724726 (VCV001724726.2), dbSNP rs2537856143, ClinGen allele CA2580079372.
Genomic context (GRCh38, chr9:108,878,633, plus strand): 5'-TATTCACTATTGTTTGTGGTCAGGAATCATCATCAGGACTGAGAATATACCTTTCAGGTT[TTC>T]AGTGTTCTGCACCACTTCACTCAGTGCCTCCAGGAGGGCCAGGTCCTCCAGCGGACTGCC-3'